The following is an entry in ClinVar:

NM_005612.5(REST):c.1316A>C (p.Asp439Ala)

Gene: REST (RE1 silencing transcription factor; plus strand). Cytogenetic location: 4q12.
Variant type: single nucleotide variant.
Coding change: c.1316A>C on transcript NM_005612.5 (MANE Select); coding-DNA position 1316, A replaced by C.
Protein change: p.Asp439Ala; replaces aspartic acid 439 with alanine.
Molecular consequence: missense variant.
Genome position (GRCh38, 1-based): chr4:56,930,174, A>C. VCF-style: chr4-56930174-A-C. GRCh37 (hg19) VCF-style: chr4-57796340-A-C.
Other names: c.1316A>C, p.Asp439Ala (NM_001193508.2, NM_001363453.3); short protein forms D439A.
Identifiers: ClinVar variation 1715158 (VCV001715158.5), dbSNP rs373407636, ClinGen allele CA357006340.

ClinVar aggregate classification (germline): Uncertain significance (1 of 4 stars; one submission).

Submission:

Labcorp Genetics (formerly Invitae), Labcorp
Classification: Uncertain significance. Last evaluated: 2022-08-05. Review status: criteria provided, single submitter. Criteria: Invitae Variant Classification Sherloc (09022015). Collection method: clinical testing. Allele origin: germline.
Comment: This sequence change replaces aspartic acid, which is acidic and polar, with alanine, which is neutral and non-polar, at codon 439 of the REST protein (p.Asp439Ala). This variant is not present in population databases (gnomAD no frequency). This variant has not been reported in the literature in individuals affected with REST-related conditions. Algorithms developed to predict the effect of missense changes on protein structure and function are either unavailable or do not agree on the potential impact of this missense change (SIFT: "Deleterious"; PolyPhen-2: "Benign"; Align-GVGD: "Class C0"). In summary, the available evidence is currently insufficient to determine the role of this variant in disease. Therefore, it has been classified as a Variant of Uncertain Significance.